The following is an entry in ClinVar:

NM_006445.4(PRPF8):c.3541G>T (p.Asp1181Tyr)

Gene: PRPF8 (pre-mRNA processing factor 8; minus strand). Cytogenetic location: 17p13.3.
Variant type: single nucleotide variant.
Coding change: c.3541G>T on transcript NM_006445.4 (MANE Select); coding-DNA position 3541, G replaced by T.
Protein change: p.Asp1181Tyr; replaces aspartic acid 1181 with tyrosine.
Molecular consequence: missense variant.
Genome position (GRCh38, 1-based): chr17:1,673,473, C>A on the plus strand (G>T on the coding strand, the complement: PRPF8 is on the minus strand). VCF-style: chr17-1673473-C-A. GRCh37 (hg19) VCF-style: chr17-1576767-C-A.
Other names: short protein forms D1181Y.
Identifiers: ClinVar variation 855471 (VCV000855471.8), dbSNP rs973440488, ClinGen allele CA286804328.

ClinVar aggregate classification (germline): Uncertain significance. Review status: criteria provided, multiple submitters, no conflicts (2 of 4 stars). 2 submissions from 2 submitters: Uncertain significance (2). Last evaluated 2025-02-13.

Conditions:
Inborn genetic diseases. Identifiers: MedGen C0950123, MeSH D030342.

Allele frequency attached by ClinVar (database versions not stated): gnomAD 0.00001; TOPMed 0.00003.
gnomAD v4.1: 2 of 1,614,034 alleles (0.00012%); highest among the groups gnomAD compares: African/African-American, 0.0013%; no homozygotes.

Submissions (2):

Ambry Genetics
Classification: Uncertain significance for Inborn genetic diseases. Last evaluated: 2025-02-13. Review status: criteria provided, single submitter. Criteria: Ambry Variant Classification Scheme 2023. Collection method: clinical testing. Allele origin: germline.

Labcorp Genetics (formerly Invitae), Labcorp
Classification: Uncertain significance. Last evaluated: 2019-11-23. Review status: criteria provided, single submitter. Criteria: Invitae Variant Classification Sherloc (09022015). Collection method: clinical testing. Allele origin: germline.
Comment: In summary, the available evidence is currently insufficient to determine the role of this variant in disease. Therefore, it has been classified as a Variant of Uncertain Significance. Algorithms developed to predict the effect of missense changes on protein structure and function are either unavailable or do not agree on the potential impact of this missense change (SIFT: "Deleterious"; PolyPhen-2: "Probably Damaging"; Align-GVGD: "Class C15"). This variant has not been reported in the literature in individuals with PRPF8-related conditions. This variant is not present in population databases (ExAC no frequency). This sequence change replaces aspartic acid with tyrosine at codon 1181 of the PRPF8 protein (p.Asp1181Tyr). The aspartic acid residue is highly conserved and there is a large physicochemical difference between aspartic acid and tyrosine.